The following is an entry in ClinVar:

ClinVar aggregate classification (germline): Uncertain significance (1 of 4 stars; one submission).

Allele frequency attached by ClinVar (database versions not stated): gnomAD exomes 0.00001.
gnomAD v4.1: 7 of 1,552,724 alleles (0.00045%); highest among the groups gnomAD compares: Non-Finnish European, 0.00061%; no homozygotes.

Submission:

Labcorp Genetics (formerly Invitae), Labcorp
Classification: Uncertain significance. Last evaluated: 2021-08-06. Review status: criteria provided, single submitter. Criteria: Invitae Variant Classification Sherloc (09022015). Collection method: clinical testing. Allele origin: germline.
Comment: Algorithms developed to predict the effect of missense changes on protein structure and function output the following: SIFT: "Not Available"; PolyPhen-2: "Benign"; Align-GVGD: "Not Available". The alanine amino acid residue is found in multiple mammalian species, which suggests that this missense change does not adversely affect protein function. In summary, the available evidence is currently insufficient to determine the role of this variant in disease. Therefore, it has been classified as a Variant of Uncertain Significance. This sequence change replaces valine with alanine at codon 11 of the ADAMTS17 protein (p.Val11Ala). The valine residue is moderately conserved and there is a small physicochemical difference between valine and alanine. This variant is not present in population databases (ExAC no frequency). This variant has not been reported in the literature in individuals affected with ADAMTS17-related conditions.

NM_139057.4(ADAMTS17):c.32T>C (p.Val11Ala)

Gene: ADAMTS17 (ADAM metallopeptidase with thrombospondin type 1 motif 17; minus strand). Cytogenetic location: 15q26.3.
Variant type: single nucleotide variant.
Coding change: c.32T>C on transcript NM_139057.4 (MANE Select); coding-DNA position 32, T replaced by C.
Protein change: p.Val11Ala; replaces valine 11 with alanine.
Molecular consequence: missense variant.
Genome position (GRCh38, 1-based): chr15:100,341,868, A>G on the plus strand (T>C on the coding strand, the complement: ADAMTS17 is on the minus strand). VCF-style: chr15-100341868-A-G. GRCh37 (hg19) VCF-style: chr15-100882073-A-G.
Other names: short protein forms V11A.
Identifiers: ClinVar variation 1510849 (VCV001510849.6), dbSNP rs2142000947, ClinGen allele CA394525869.